The following is an entry in ClinVar:

ClinVar aggregate classification (germline): Uncertain significance (1 of 4 stars; one submission).

Conditions:
RASopathy. Also called: Noonan spectrum disorder; rasopathies. Identifiers: Orphanet 536391, MedGen C5555857, MONDO:0021060.

Submission:

Labcorp Genetics (formerly Invitae), Labcorp
Classification: Uncertain significance for RASopathy. Last evaluated: 2024-12-03. Review status: criteria provided, single submitter. Criteria: Invitae Variant Classification Sherloc (09022015). Collection method: clinical testing. Allele origin: germline.
Comment: This sequence change replaces asparagine, which is neutral and polar, with histidine, which is basic and polar, at codon 167 of the SHOC2 protein (p.Asn167His). This variant is not present in population databases (gnomAD no frequency). This variant has not been reported in the literature in individuals affected with SHOC2-related conditions. Invitae Evidence Modeling of protein sequence and biophysical properties (such as structural, functional, and spatial information, amino acid conservation, physicochemical variation, residue mobility, and thermodynamic stability) indicates that this missense variant is not expected to disrupt SHOC2 protein function with a negative predictive value of 80%. In summary, the available evidence is currently insufficient to determine the role of this variant in disease. Therefore, it has been classified as a Variant of Uncertain Significance.

NM_007373.4(SHOC2):c.499A>C (p.Asn167His)

Gene: SHOC2 (SHOC2 leucine rich repeat scaffold protein; plus strand). Cytogenetic location: 10q25.2.
Variant type: single nucleotide variant.
Coding change: c.499A>C on transcript NM_007373.4 (MANE Select); coding-DNA position 499, A replaced by C.
Protein change: p.Asn167His; replaces asparagine 167 with histidine.
Molecular consequence: missense variant.
Genome position (GRCh38, 1-based): chr10:110,964,857, A>C. VCF-style: chr10-110964857-A-C. GRCh37 (hg19) VCF-style: chr10-112724615-A-C.
Other names: c.499A>C, p.Asn167His (NM_001269039.3, NM_001324336.2, NM_001324337.2); short protein forms N167H.
Identifiers: ClinVar variation 3666095 (VCV003666095.2).
Genomic context (GRCh38, chr10:110,964,857, plus strand): 5'-AATCTCATGACACTGGCTCTAAGTGAAAATTCACTTACCAGTTTGCCTGACTCTCTTGAT[A>C]ACTTGAAGAAGCTGCGGATGCTTGATTTACGGCATAATAAACTGAGAGAAATTCCTTCAG-3'
Protein context (NP_031399.2, residues 157-177): SLTSLPDSLD[Asn167His]LKKLRMLDLR